The following is an entry in ClinVar:

NM_206933.4(USH2A):c.13776dup (p.Ser4593fs)

Gene: USH2A (usherin; minus strand). Cytogenetic location: 1q41.
Variant type: Duplication.
Coding change: c.13776dup on transcript NM_206933.4 (MANE Select); coding-DNA position 13776, one base duplicated (G; older notation c.13776dupG).
Protein change: p.Ser4593fs; shifts the reading frame from serine 4593.
Molecular consequence: frameshift variant.
Genome position (GRCh38, 1-based): chr1:215,674,135, C duplicated on the plus strand (G on the coding strand, the reverse complement: USH2A is on the minus strand). VCF-style (leftmost placement, unchanged base first): chr1-215674134-A-AC. GRCh37 (hg19) VCF-style: chr1-215847476-A-AC.
Other names: c.13776dup (NM_206933.2); short protein forms S4593fs.
Identifiers: ClinVar variation 3240693 (VCV003240693.3), dbSNP rs2464892983.
Genomic context (GRCh38, chr1:215,674,134, plus strand): 5'-CAGAAAACCGAGACATGGCTACCTACCTGTGAAATGGCTTCAGCTGGTTTACTATATATG[A>AC]CTGCATACCAAAAGAATTATGAGTTGTGTTTATGTGTATGATTTTAGTTTCTCTTTCAAA-3'

ClinVar aggregate classification (germline): Pathogenic/Likely pathogenic. Review status: criteria provided, multiple submitters, no conflicts (2 of 4 stars). 3 submissions from 3 submitters: Pathogenic (1); Likely pathogenic (2). Last evaluated 2025-08-01.

Conditions:
Usher syndrome type 2A. Also called: RETINAL DISEASE IN USHER SYNDROME TYPE IIA, MODIFIER OF; USHER SYNDROME, TYPE IIA. Identifiers: Orphanet 231178, Orphanet 886, MedGen C1848634, MONDO:0010169, OMIM 276901.
Retinitis pigmentosa 39 (RP39). Identifiers: Orphanet 791, MedGen C3151138, MONDO:0013436, OMIM 613809.
USH2A-related disorder. Also called: USH2A-related disorders; USH2A-related condition. Identifiers: MedGen CN239332.

Submissions (3):

Myriad Genetics, Inc.
Classification: Pathogenic for USH2A-related disorder. Last evaluated: 2025-08-01. Review status: criteria provided, single submitter. Criteria: Myriad Autosomal Dominant, Autosomal Recessive and X-Linked Classification Criteria (2023). Collection method: clinical testing. Allele origin: unknown.
Comment: NM_206933.2(USH2A):c.13776dupG(S4593Vfs*14) is a frameshift variant classified as pathogenic in the context of USH2A-related disorders. S4593Vfs*14 has not been observed in cases with relevant disease. Relevant functional assessments of this variant are not available in the literature. S4593Vfs*14 has not been observed in referenced population frequency databases. In summary, NM_206933.2(USH2A):c.13776dupG(S4593Vfs*14) is a frameshift variant in a gene where loss of function is a known mechanism of disease and is predicted to disrupt protein function. Please note: this variant was assessed in the context of healthy population screening.

Natera, Inc.
Classification: Likely pathogenic for Usher syndrome type 2A. Last evaluated: 2024-07-10. Review status: criteria provided, single submitter. Criteria: Natera Variant Classification Schema (03/2026). Collection method: clinical testing. Allele origin: germline.
Comment: The c.13776dup variant in USH2A is a frameshift variant predicted to shift the reading frame beginning at codon 4593 and leads to a stop codon 14 codons downstream. This variant is expected to result in nonsense mediated decay, truncation, or a dysfunctional protein product. This variant is rare in the general population with a frequency below the threshold expected for the associated phenotype(s). Given the available evidence, this variant is classified as Likely Pathogenic.

Baylor Genetics
Classification: Likely pathogenic for Retinitis pigmentosa 39. Last evaluated: 2024-03-13. Review status: criteria provided, single submitter. Criteria: ACMG Guidelines, 2015. Collection method: clinical testing. Allele origin: unknown.